The following is an entry in ClinVar:

ClinVar aggregate classification (germline): Pathogenic (1 of 4 stars; one submission).

Submission:

Quest Diagnostics Nichols Institute San Juan Capistrano
Classification: Pathogenic. Last evaluated: 2026-06-05. Review status: criteria provided, single submitter. Criteria: ACMG/ClinGen CNV Guidelines, 2019. Collection method: clinical testing. Allele origin: unknown.
Comment: This copy number loss involves at least 23 protein-coding genes, including WDR26 (OMIM 617424), LBR (OMIM 600024), DISP1 (OMIM 607502), and FBXO28 (OMIM 609100). Haploinsufficiency of WDR26 has been associated with Skraban-Deardorff syndrome (CCID:008104 ; OMIM 617616). Additionally, this interval is contained within the 1q41-q42 deletion syndrome region (OMIM 612530; Au 2014, Cassina 2015) and heterozygous deletions within this region have been identified in affected individuals (Cassina 2015, Rosenfeld 2011, Shaffer 2007). Thus, based on gene content and current medical literature, this copy number variant (CNV) is classified as pathogenic.

Literature cited by the submitters: PubMed 24357076; PubMed 25900767; PubMed 20951845; PubMed 17873649.

GRCh37/hg19 1q41-42.12(chr1:221325488-225804228)x1

Genes: AIDA (axin interactor, dorsalization associated; minus strand), BROX (BRO1 domain and CAAX motif containing; plus strand), CAPN2 (calpain 2; plus strand), CAPN8 (calpain 8; minus strand), CCDC185 (coiled-coil domain containing 185; plus strand) and 18 more. Cytogenetic location: 1q41-42.12.
Variant type: copy number loss.
Change: copy number 1 (one copy instead of two) of chr1:221,325,488-225,804,228 (4.48 Mb, GRCh37 coordinates, 1-based), cytogenetic band 1q41-42.12.
Identifiers: ClinVar variation 1809014 (VCV001809014.2).